The following is an entry in ClinVar:

ClinVar aggregate classification (germline): Likely benign. Review status: criteria provided, multiple submitters, no conflicts (2 of 4 stars). 3 submissions from 3 submitters: Likely benign (3). Last evaluated 2026-02-11.

Conditions:
TRIM37-related disorder. Also called: TRIM37-related condition.

Allele frequency attached by ClinVar (database versions not stated): ExAC 0.00012; gnomAD exomes 0.00013; gnomAD 0.00022 and 0.00023; TOPMed 0.00022; ESP Exome Variant Server 0.00038.
gnomAD v4.1: 455 of 1,584,512 alleles (0.029%); highest among the groups gnomAD compares: Non-Finnish European, 0.036%; no homozygotes.

Submissions (3):

PreventionGenetics, part of Exact Sciences
Classification: Likely benign for TRIM37-related condition. Last evaluated: 2026-02-11. Review status: criteria provided, single submitter. Criteria: ACMG Guidelines, 2015. Collection method: clinical testing. Allele origin: germline.
Comment: This variant is classified as likely benign based on ACMG/AMP sequence variant interpretation guidelines (Richards et al. 2015 PMID: 25741868, with internal and published modifications).

Labcorp Genetics (formerly Invitae), Labcorp
Classification: Likely benign. Last evaluated: 2026-01-18. Review status: criteria provided, single submitter. Criteria: Invitae Variant Classification Sherloc (09022015). Collection method: clinical testing. Allele origin: germline.

Blueprint Genetics
Classification: Likely benign. Last evaluated: 2024-11-06. Review status: criteria provided, single submitter. Criteria: ACMG Guidelines, 2015. Collection method: clinical testing. Allele origin: germline.

NM_015294.6(TRIM37):c.164+7G>A

Gene: TRIM37 (tripartite motif containing 37; minus strand). Cytogenetic location: 17q22.
Variant type: single nucleotide variant.
Coding change: c.164+7G>A on transcript NM_015294.6 (MANE Select); 7 bases into the intron after coding-DNA position 164, G replaced by A.
Molecular consequence: intron variant.
Genome position (GRCh38, 1-based): chr17:59,091,293, C>T on the plus strand (G>A on the coding strand, the complement: TRIM37 is on the minus strand). VCF-style: chr17-59091293-C-T. GRCh37 (hg19) VCF-style: chr17-57168654-C-T.
Other names: c.164+7G>A (NM_001320989.3, NM_001005207.5, NM_001353086.2 and 2 more transcripts); c.-211+7G>A (NM_001353085.2); c.62+7G>A (NM_001320987.3, NM_001353082.2); c.-589+7G>A (NM_001353083.2); c.-279+7G>A (NM_001320990.3).
Identifiers: ClinVar variation 774351 (VCV000774351.10), dbSNP rs370816046, ClinGen allele CA8678710.